The following is an entry in ClinVar:

ClinVar aggregate classification (germline): Likely benign. Review status: criteria provided, multiple submitters, no conflicts (2 of 4 stars). 2 submissions from 2 submitters: Likely benign (2). Last evaluated 2024-05-01.

Conditions:
Emery-Dreifuss muscular dystrophy 5, autosomal dominant (EDMD5). Also called: EMERY-DREIFUSS MUSCULAR DYSTROPHY 5. Identifiers: Orphanet 261, MedGen C2751805, MONDO:0013072, OMIM 612999.

Allele frequency attached by ClinVar (database versions not stated): ExAC 0.00002; gnomAD 0.00002 and 0.00003; TOPMed 0.00002; gnomAD exomes 0.00003; 1000 Genomes Project 30x 0.00016; 1000 Genomes Project 0.00020.
gnomAD v4.1: 15 of 1,611,726 alleles (0.00093%); highest among the groups gnomAD compares: Admixed American, 0.02%; no homozygotes.

Submissions (2):

CeGaT Center for Human Genetics Tuebingen
Classification: Likely benign. Last evaluated: 2024-05-01. Review status: criteria provided, single submitter. Criteria: CeGaT Center For Human Genetics Tuebingen Variant Classification Criteria Version 2. Collection method: clinical testing. Allele origin: germline. Affected: yes. Observed: 1 variant allele.
Comment: SYNE2: BP4, BP7

Labcorp Genetics (formerly Invitae), Labcorp
Classification: Likely benign for Emery-Dreifuss muscular dystrophy 5, autosomal dominant. Last evaluated: 2022-11-08. Review status: criteria provided, single submitter. Criteria: Invitae Variant Classification Sherloc (09022015). Collection method: clinical testing. Allele origin: germline.

NM_182914.3(SYNE2):c.15612A>C (p.Ser5204=)

Gene: SYNE2 (spectrin repeat containing nuclear envelope protein 2; plus strand). Cytogenetic location: 14q23.2.
Variant type: single nucleotide variant.
Coding change: c.15612A>C on transcript NM_182914.3 (MANE Select); coding-DNA position 15612, A replaced by C.
Protein change: p.Ser5204=; no amino-acid change (serine 5204 retained).
Molecular consequence: synonymous variant.
Genome position (GRCh38, 1-based): chr14:64,146,196, A>C. VCF-style: chr14-64146196-A-C. GRCh37 (hg19) VCF-style: chr14-64612914-A-C.
Other names: c.15612A>C, p.Ser5204= (NM_015180.6).
Identifiers: ClinVar variation 1542324 (VCV001542324.26), dbSNP rs200252872, ClinGen allele CA7223130.
Genomic context (GRCh38, chr14:64,146,196, plus strand): 5'-CTGGCTGGAAGCACAAGAAGAGAGACTGAAAACTTTACAAAAACCTGAAAGTGTGATCTC[A>C]GTGCAGAAGCTGCTCCTGGACTGTCAGGTGAGGAGGGGAACAGCATCCCACCCAACCCGC-3'
Protein context (NP_878918.2, residues 5194-5214): KTLQKPESVI[Ser5204=]VQKLLLDCQD